The following is an entry in ClinVar:

NM_001197104.2(KMT2A):c.4160A>G (p.Asn1387Ser)

Gene: KMT2A (lysine methyltransferase 2A; plus strand). Cytogenetic location: 11q23.3.
Variant type: single nucleotide variant.
Coding change: c.4160A>G on transcript NM_001197104.2 (MANE Select); coding-DNA position 4160, A replaced by G.
Protein change: p.Asn1387Ser; replaces asparagine 1387 with serine.
Molecular consequence: missense variant.
Genome position (GRCh38, 1-based): chr11:118,484,256, A>G. VCF-style: chr11-118484256-A-G. GRCh37 (hg19) VCF-style: chr11-118354971-A-G.
Other names: c.4160A>G, p.Asn1387Ser (NM_005933.4); short protein forms N1387S.
Identifiers: ClinVar variation 1465022 (VCV001465022.9), dbSNP rs782120345, ClinGen allele CA6303799.

ClinVar aggregate classification (germline): Conflicting classifications of pathogenicity. Review status: criteria provided, conflicting classifications (1 of 4 stars). 2 submissions from 2 submitters: Uncertain significance (1); Likely benign (1). Last evaluated 2025-09-22.

Allele frequency attached by ClinVar (database versions not stated): gnomAD exomes 0.00001; ExAC 0.00002.
gnomAD v4.1: 10 of 1,614,182 alleles (0.00062%); highest among the groups gnomAD compares: South Asian, 0.0033%; no homozygotes.

Submissions (2):

Labcorp Genetics (formerly Invitae), Labcorp
Classification: Uncertain significance. Last evaluated: 2025-09-22. Review status: criteria provided, single submitter. Criteria: Invitae Variant Classification Sherloc (09022015). Collection method: clinical testing. Allele origin: germline.
Comment: This sequence change replaces asparagine, which is neutral and polar, with serine, which is neutral and polar, at codon 1387 of the KMT2A protein (p.Asn1387Ser). This variant is present in population databases (rs782120345, gnomAD 0.002%). This variant has not been reported in the literature in individuals affected with KMT2A-related conditions. ClinVar contains an entry for this variant (Variation ID: 1465022). Invitae Evidence Modeling of protein sequence and biophysical properties (such as structural, functional, and spatial information, amino acid conservation, physicochemical variation, residue mobility, and thermodynamic stability) indicates that this missense variant is not expected to disrupt KMT2A protein function with a negative predictive value of 95%. In summary, the available evidence is currently insufficient to determine the role of this variant in disease. Therefore, it has been classified as a Variant of Uncertain Significance.

Blueprint Genetics
Classification: Likely benign. Last evaluated: 2023-05-04. Review status: criteria provided, single submitter. Criteria: ACMG Guidelines, 2015. Collection method: clinical testing. Allele origin: germline.